The following is an entry in ClinVar:

ClinVar aggregate classification (germline): Uncertain significance. Review status: criteria provided, multiple submitters, no conflicts (2 of 4 stars). 2 submissions from 2 submitters: Uncertain significance (2). Last evaluated 2024-09-21.

Conditions:
DICER1-related tumor predisposition. Also called: DICER1 syndrome; DICER1-related pleuropulmonary blastoma cancer predisposition syndrome. Identifiers: Orphanet 284343, MedGen C3839822, MONDO:0100216.
Hereditary cancer-predisposing syndrome. Also called: Neoplastic Syndromes, Hereditary; Hereditary neoplastic syndrome; Tumor predisposition; Hereditary Cancer Syndrome. Identifiers: Orphanet 140162, MedGen C0027672, MeSH D009386, MONDO:0015356.

Submissions (2):

Ambry Genetics
Classification: Uncertain significance for Hereditary cancer-predisposing syndrome. Last evaluated: 2024-09-21. Review status: criteria provided, single submitter. Criteria: Ambry Variant Classification Scheme 2023. Collection method: clinical testing. Allele origin: germline.
Comment: The p.V694A variant (also known as c.2081T>C), located in coding exon 12 of the DICER1 gene, results from a T to C substitution at nucleotide position 2081. The valine at codon 694 is replaced by alanine, an amino acid with similar properties. This amino acid position is conserved. In addition, this alteration is predicted to be tolerated by in silico analysis. Based on the available evidence, the clinical significance of this variant remains unclear.

Labcorp Genetics (formerly Invitae), Labcorp
Classification: Uncertain significance for DICER1-related tumor predisposition. Last evaluated: 2019-12-27. Review status: criteria provided, single submitter. Criteria: Invitae Variant Classification Sherloc (09022015). Collection method: clinical testing. Allele origin: germline.
Comment: This sequence change replaces valine with alanine at codon 694 of the DICER1 protein (p.Val694Ala). The valine residue is highly conserved and there is a small physicochemical difference between valine and alanine. This variant is not present in population databases (ExAC no frequency). This variant has not been reported in the literature in individuals with DICER1-related conditions. Algorithms developed to predict the effect of missense changes on protein structure and function are either unavailable or do not agree on the potential impact of this missense change (SIFT: "Tolerated"; PolyPhen-2: "Probably Damaging"; Align-GVGD: "Class C0"). In summary, the available evidence is currently insufficient to determine the role of this variant in disease. Therefore, it has been classified as a Variant of Uncertain Significance.

NM_177438.3(DICER1):c.2081T>C (p.Val694Ala)

Gene: DICER1 (dicer 1, ribonuclease III; minus strand). Cytogenetic location: 14q32.13.
Variant type: single nucleotide variant.
Coding change: c.2081T>C on transcript NM_177438.3 (MANE Select); coding-DNA position 2081, T replaced by C.
Protein change: p.Val694Ala; replaces valine 694 with alanine.
Molecular consequence: missense variant.
Genome position (GRCh38, 1-based): chr14:95,112,207, A>G on the plus strand (T>C on the coding strand, the complement: DICER1 is on the minus strand). VCF-style: chr14-95112207-A-G. GRCh37 (hg19) VCF-style: chr14-95578544-A-G.
Other names: c.2081T>C, p.Val694Ala (NM_001195573.1, NM_001271282.3, NM_001291628.2 and 1 more transcripts); short protein forms V694A.
Identifiers: ClinVar variation 843127 (VCV000843127.12), dbSNP rs1892034034, ClinGen allele CA390883063.